The following is an entry in ClinVar:

ClinVar aggregate classification (germline): Uncertain significance (1 of 4 stars; one submission).

Allele frequency attached by ClinVar (database versions not stated): gnomAD exomes below 0.00001 and 0.00007; ExAC 0.00001; gnomAD 0.00001; TOPMed 0.00002.
gnomAD v4.1: 95 of 1,613,692 alleles (0.0059%); highest among the groups gnomAD compares: Non-Finnish European, 0.008%; no homozygotes.

Submission:

Labcorp Genetics (formerly Invitae), Labcorp
Classification: Uncertain significance. Last evaluated: 2021-12-04. Review status: criteria provided, single submitter. Criteria: Invitae Variant Classification Sherloc (09022015). Collection method: clinical testing. Allele origin: germline.
Comment: In summary, the available evidence is currently insufficient to determine the role of this variant in disease. Therefore, it has been classified as a Variant of Uncertain Significance. This variant is present in population databases (rs746100795, gnomAD 0.0009%). This sequence change disrupts the translational stop signal of the DNASE1L3 mRNA. It is expected to extend the length of the DNASE1L3 protein by an uncertain number of additional amino acid residues. This variant has not been reported in the literature in individuals affected with DNASE1L3-related conditions.

NM_004944.4(DNASE1L3):c.918G>T (p.Ter306Tyr)

Gene: DNASE1L3 (deoxyribonuclease 1L3; minus strand). Cytogenetic location: 3p14.3.
Variant type: single nucleotide variant.
Coding change: c.918G>T on transcript NM_004944.4 (MANE Select); coding-DNA position 918, G replaced by T.
Protein change: p.Ter306Tyr.
Molecular consequence: stop lost.
Genome position (GRCh38, 1-based): chr3:58,192,687, C>A on the plus strand (G>T on the coding strand, the complement: DNASE1L3 is on the minus strand). VCF-style: chr3-58192687-C-A. GRCh37 (hg19) VCF-style: chr3-58178414-C-A.
Other names: c.828G>T, p.Ter276Tyr (NM_001256560.2).
Identifiers: ClinVar variation 1521920 (VCV001521920.6), dbSNP rs746100795, ClinGen allele CA2469806.